The following is an entry in ClinVar:

ClinVar aggregate classification (germline): Uncertain significance (1 of 4 stars; one submission).

Conditions:
Charcot-Marie-Tooth disease axonal type 2O. Also called: CHARCOT-MARIE-TOOTH NEUROPATHY, AXONAL, TYPE 2O; CHARCOT-MARIE-TOOTH DISEASE, AXONAL, AUTOSOMAL DOMINANT, TYPE 2O; Charcot-Marie-Tooth Neuropathy Type 2O; Charcot-Marie-Tooth disease, axonal, type 20. Identifiers: Orphanet 284232, MedGen C3280220, MONDO:0013644, OMIM 614228.

Allele frequency attached by ClinVar (database versions not stated): ExAC 0.00001.
gnomAD v4.1: 1 of 1,614,124 alleles (0.000062%); highest among the groups gnomAD compares: Non-Finnish European, 0.000085%; no homozygotes.

Submission:

Labcorp Genetics (formerly Invitae), Labcorp
Classification: Uncertain significance for Charcot-Marie-Tooth disease axonal type 2O. Last evaluated: 2025-10-23. Review status: criteria provided, single submitter. Criteria: Invitae Variant Classification Sherloc (09022015). Collection method: clinical testing. Allele origin: germline.
Comment: This sequence change replaces threonine, which is neutral and polar, with lysine, which is basic and polar, at codon 1268 of the DYNC1H1 protein (p.Thr1268Lys). This variant is present in population databases (rs751865408, gnomAD 0.0009%). This variant has not been reported in the literature in individuals affected with DYNC1H1-related conditions. ClinVar contains an entry for this variant (Variation ID: 2075236). An algorithm developed to predict the effect of missense changes on protein structure and function outputs the following: PolyPhen-2: "Benign". The lysine amino acid residue is found in multiple mammalian species, which suggests that this missense change does not adversely affect protein function. In summary, the available evidence is currently insufficient to determine the role of this variant in disease. Therefore, it has been classified as a Variant of Uncertain Significance.

NM_001376.5(DYNC1H1):c.3803C>A (p.Thr1268Lys)

Gene: DYNC1H1 (dynein cytoplasmic 1 heavy chain 1; plus strand). Cytogenetic location: 14q32.31.
Variant type: single nucleotide variant.
Coding change: c.3803C>A on transcript NM_001376.5 (MANE Select); coding-DNA position 3803, C replaced by A.
Protein change: p.Thr1268Lys; replaces threonine 1268 with lysine.
Molecular consequence: missense variant.
Genome position (GRCh38, 1-based): chr14:101,997,273, C>A. VCF-style: chr14-101997273-C-A. GRCh37 (hg19) VCF-style: chr14-102463610-C-A.
Other names: short protein forms T1268K.
Identifiers: ClinVar variation 2075236 (VCV002075236.4), dbSNP rs751865408, ClinGen allele CA7352079.